The following is an entry in ClinVar:

ClinVar aggregate classification (germline): Conflicting classifications of pathogenicity. Review status: criteria provided, conflicting classifications (1 of 4 stars). 3 submissions from 3 submitters: Uncertain significance (2); Likely benign (1). Last evaluated 2026-04-03.

Allele frequency attached by ClinVar (database versions not stated): gnomAD 0.00002 and 0.00003; gnomAD exomes 0.00002 and 0.00008; TOPMed 0.00003 and 0.00005; ExAC 0.00006.
gnomAD v4.1: 31 of 1,613,606 alleles (0.0019%); highest among the groups gnomAD compares: East Asian, 0.045%; no homozygotes.

Submissions (3):

Women's Health and Genetics/Laboratory Corporation of America, LabCorp
Classification: Uncertain significance. Last evaluated: 2026-04-03. Review status: criteria provided, single submitter. Criteria: LabCorp Variant Classification Summary - May 2015. Collection method: clinical testing. Allele origin: germline.
Comment: Variant summary: TTN c.11338G>A (p.Glu3780Lys) results in a conservative amino acid change in the encoded protein sequence. Algorithms developed to predict the effect of missense changes on protein structure and function are either unavailable or do not agree on the potential impact of this missense change. The variant allele was found at a frequency of 7.6e-05 in 248466 control chromosomes. This frequency is not significantly higher than estimated for disease-causing variants in TTN, allowing no conclusion about variant significance. To our knowledge, no occurrence of c.11338G>A in individuals affected with TTN-related conditions and no experimental evidence demonstrating its impact on protein function have been reported. ClinVar contains an entry for this variant (Variation ID: 2438153). Based on the evidence outlined above, the variant was classified as uncertain significance.

Blueprint Genetics
Classification: Likely benign. Last evaluated: 2023-09-13. Review status: criteria provided, single submitter. Criteria: ACMG Guidelines, 2015. Collection method: clinical testing. Allele origin: germline.

Revvity Omics, Revvity
Classification: Uncertain significance. Last evaluated: 2019-08-21. Review status: criteria provided, single submitter. Criteria: ACMG Guidelines, 2015. Collection method: clinical testing. Allele origin: germline.

NM_001267550.2(TTN):c.15070G>A (p.Glu5024Lys)

Gene: TTN (titin; minus strand). Cytogenetic location: 2q31.2.
Variant type: single nucleotide variant.
Coding change: c.15070G>A on transcript NM_001267550.2 (MANE Select); coding-DNA position 15070, G replaced by A.
Protein change: p.Glu5024Lys; replaces glutamic acid 5024 with lysine.
Molecular consequence: missense variant. On other transcripts: intron variant (3).
Genome position (GRCh38, 1-based): chr2:178,734,854, C>T on the plus strand (G>A on the coding strand, the complement: TTN is on the minus strand). VCF-style: chr2-178734854-C-T. GRCh37 (hg19) VCF-style: chr2-179599581-C-T.
Other names: c.14119G>A, p.Glu4707Lys (NM_001256850.1); c.11338G>A, p.Glu3780Lys (NM_133378.4); c.13282+3228G>A (NM_003319.4); c.13858+3228G>A (NM_133437.4); c.13657+3228G>A (NM_133432.3); short protein forms E3780K, E4707K, E5024K.
Identifiers: ClinVar variation 2438153 (VCV002438153.5), dbSNP rs750031855, ClinGen allele CA2002296.